The following is an entry in ClinVar:

NM_001006658.3(CR2):c.889T>A (p.Tyr297Asn)

Genes: CR2 (complement C3d receptor 2; plus strand), LOC126805994 (BRD4-independent group 4 enhancer GRCh37_chr1:207642622-207643821; plus strand). Cytogenetic location: 1q32.2.
Variant type: single nucleotide variant.
Coding change: c.889T>A on transcript NM_001006658.3 (MANE Select); coding-DNA position 889, T replaced by A.
Protein change: p.Tyr297Asn; replaces tyrosine 297 with asparagine.
Molecular consequence: missense variant.
Genome position (GRCh38, 1-based): chr1:207,469,766, T>A. VCF-style: chr1-207469766-T-A. GRCh37 (hg19) VCF-style: chr1-207643111-T-A.
Other names: c.889T>A, p.Tyr297Asn (NM_001877.5); short protein forms Y297N.
Identifiers: ClinVar variation 3269367 (VCV003269367.3).
Genomic context (GRCh38, chr1:207,469,766, plus strand): 5'-CCATCACCTCCCCCTATTCTCAATGGAAGACATATAGGCAACTCACTAGCAAATGTCTCA[T>A]ATGGAAGCATAGTCACTTACACTTGTGACCCGGACCCAGAGGAAGGAGTGAACTTCATCC-3'
Protein context (NP_001006659.1, residues 287-307): HIGNSLANVS[Tyr297Asn]GSIVTYTCDP

ClinVar aggregate classification (germline): Uncertain significance. Review status: criteria provided, multiple submitters, no conflicts (2 of 4 stars). 2 submissions from 2 submitters: Uncertain significance (2). Last evaluated 2025-11-24.

Conditions:
Immunodeficiency, common variable, 7. Identifiers: Orphanet 1572, Orphanet 696894, MedGen C3542922, MONDO:0013862, OMIM 614699.
Inborn genetic diseases. Identifiers: MedGen C0950123, MeSH D030342.

gnomAD v4.1: 5 of 1,613,934 alleles (0.00031%); highest among the groups gnomAD compares: Non-Finnish European, 0.00042%; no homozygotes.

Submissions (2):

Labcorp Genetics (formerly Invitae), Labcorp
Classification: Uncertain significance for Immunodeficiency, common variable, 7. Last evaluated: 2025-11-24. Review status: criteria provided, single submitter. Criteria: Invitae Variant Classification Sherloc (09022015). Collection method: clinical testing. Allele origin: germline.
Comment: This sequence change replaces tyrosine, which is neutral and polar, with asparagine, which is neutral and polar, at codon 297 of the CR2 protein (p.Tyr297Asn). This variant is present in population databases (no rsID available, gnomAD 0.007%). This variant has not been reported in the literature in individuals affected with CR2-related conditions. ClinVar contains an entry for this variant (Variation ID: 3269367). An algorithm developed to predict the effect of missense changes on protein structure and function (PolyPhen-2) suggests that this variant is likely to be disruptive. In summary, the available evidence is currently insufficient to determine the role of this variant in disease. Therefore, it has been classified as a Variant of Uncertain Significance.

Ambry Genetics
Classification: Uncertain significance for Inborn genetic diseases. Last evaluated: 2024-03-20. Review status: criteria provided, single submitter. Criteria: Ambry Variant Classification Scheme 2023. Collection method: clinical testing. Allele origin: germline.